The following is an entry in ClinVar:

NM_014738.6(TMEM94):c.1140C>T (p.Arg380=)

Gene: TMEM94 (transmembrane protein 94; plus strand). Cytogenetic location: 17q25.1.
Variant type: single nucleotide variant.
Coding change: c.1140C>T on transcript NM_014738.6 (MANE Select); coding-DNA position 1140, C replaced by T.
Protein change: p.Arg380=; no amino-acid change (arginine 380 retained).
Molecular consequence: synonymous variant.
Genome position (GRCh38, 1-based): chr17:75,491,060, C>T. VCF-style: chr17-75491060-C-T. GRCh37 (hg19) VCF-style: chr17-73487141-C-T.
Other names: c.1170C>T, p.Arg390= (NM_001321148.2, NM_001351203.2, NM_001438843.1 and 1 more transcripts); c.1140C>T, p.Arg380= (NM_001321149.2, NM_001351202.2, NM_001438841.1 and 5 more transcripts).
Identifiers: ClinVar variation 4084630 (VCV004084630.8).
Genomic context (GRCh38, chr17:75,491,060, plus strand): 5'-AATGAGGCTGAGCCCTAAATGGCCTTGCAGACTTCCTCTCTCCCACCAGGAAATGCTGCG[C>T]TGCATTTGGGGCCACTTCCTGAGGGTGCTCGGGGGGACATCGCCAACGCTGAGCCACAGT-3'
Protein context (NP_055553.3, residues 370-390): TEAVSSQEML[Arg380=]CIWGHFLRVL

ClinVar aggregate classification (germline): Likely benign (1 of 4 stars; one submission).

gnomAD v4.1: 30 of 1,610,984 alleles (0.0019%); highest among the groups gnomAD compares: South Asian, 0.026%; no homozygotes.

Submission:

CeGaT Center for Human Genetics Tuebingen
Classification: Likely benign. Last evaluated: 2025-07-01. Review status: criteria provided, single submitter. Criteria: CeGaT Center For Human Genetics Tuebingen Variant Classification Criteria Version 2. Collection method: clinical testing. Allele origin: germline. Affected: yes. Observed: 1 variant allele.
Comment: TMEM94: BP4, BP7